The following is an entry in ClinVar:

NM_001002294.3(FMO3):c.657G>A (p.Trp219Ter)

Gene: FMO3 (flavin containing dimethylaniline monoxygenase 3; plus strand). Cytogenetic location: 1q24.3.
Variant type: single nucleotide variant.
Coding change: c.657G>A on transcript NM_001002294.3 (MANE Select); coding-DNA position 657, G replaced by A.
Protein change: p.Trp219Ter; replaces tryptophan 219 with a stop codon.
Molecular consequence: nonsense.
Genome position (GRCh38, 1-based): chr1:171,110,827, G>A. VCF-style: chr1-171110827-G-A. GRCh37 (hg19) VCF-style: chr1-171079968-G-A.
Other names: c.597G>A, p.Trp199Ter (NM_001319173.2); c.468G>A, p.Trp156Ter (NM_001319174.2); c.657G>A, p.Trp219Ter (NM_006894.6); short protein forms W156*, W199*, W219*.
Identifiers: ClinVar variation 5013143 (VCV005013143.1).

ClinVar aggregate classification (germline): Pathogenic (1 of 4 stars; one submission).

Conditions:
Trimethylaminuria (TMAU). Also called: FISH-ODOR SYNDROME; Fish malodor syndrome; Stale fish syndrome; TMAuria; Primary Trimethylaminuria. Identifiers: MedGen C0342739, MONDO:0011182, OMIM 602079, HP:0003614. Disease mechanism: loss of function.

gnomAD v4.1: 6 of 1,613,920 alleles (0.00037%); highest among the groups gnomAD compares: Non-Finnish European, 0.00034%; no homozygotes.

Submission:

Myriad Genetics, Inc.
Classification: Pathogenic for Trimethylaminuria. Last evaluated: 2024-06-03. Review status: criteria provided, single submitter. Criteria: Myriad Autosomal Dominant, Autosomal Recessive and X-Linked Classification Criteria (2023). Collection method: clinical testing. Allele origin: unknown.
Comment: NM_001002294.2(FMO3):c.657G>A(W219*) is expected to be pathogenic in the context of primary trimethylaminuria. This variant is predicted to lead to an abnormal or absent protein product due to the creation of a premature termination codon in FMO3, a gene where loss-of-function variants are known to be pathogenic. Please note: this variant was assessed in the context of healthy population screening.